The following is an entry in ClinVar:

NR_033294.2(SNORD118):n.123G>C

Genes: SNORD118 (small nucleolar RNA, C/D box 118; minus strand), TMEM107 (transmembrane protein 107; minus strand). Cytogenetic location: 17p13.1.
Variant type: single nucleotide variant.
Molecular consequence: non-coding transcript variant (on NR_033294.2). On other transcripts: 3 prime UTR variant (5).
Genome position: GRCh38 VCF-style: chr17-8173466-C-G. GRCh37 (hg19) VCF-style: chr17-8076784-C-G.
Other names: c.*737G>C (NM_001351278.2, NM_001351279.2, NM_001351280.2 and 2 more transcripts).
Identifiers: ClinVar variation 1896340 (VCV001896340.6), dbSNP rs201397948, ClinGen allele CA497956991.

ClinVar aggregate classification (germline): Uncertain significance. Review status: criteria provided, multiple submitters, no conflicts (2 of 4 stars). 2 submissions from 2 submitters: Uncertain significance (2). Last evaluated 2025-08-14.

gnomAD v4.1: 9 of 764,180 alleles (0.0012%); highest among the groups gnomAD compares: Admixed American, 0.0051%; no homozygotes.

Submissions (2):

Labcorp Genetics (formerly Invitae), Labcorp
Classification: Uncertain significance. Last evaluated: 2025-08-14. Review status: criteria provided, single submitter. Criteria: Invitae Variant Classification Sherloc (09022015). Collection method: clinical testing. Allele origin: germline.
Comment: This variant occurs in the SNORD118 gene, which encodes an RNA molecule that does not result in a protein product. This variant is not present in population databases (gnomAD no frequency). This variant has not been reported in the literature in individuals affected with SNORD118-related conditions. ClinVar contains an entry for this variant (Variation ID: 1896340). In summary, the available evidence is currently insufficient to determine the role of this variant in disease. Therefore, it has been classified as a Variant of Uncertain Significance.

Blueprint Genetics
Classification: Uncertain significance. Last evaluated: 2024-11-19. Review status: criteria provided, single submitter. Criteria: ACMG Guidelines, 2015. Collection method: clinical testing. Allele origin: germline.